The following is an entry in ClinVar:

NM_001281740.3(FHOD3):c.2888A>G (p.Lys963Arg)

Gene: FHOD3 (formin homology 2 domain containing 3; plus strand). Cytogenetic location: 18q12.2.
Variant type: single nucleotide variant.
Coding change: c.2888A>G on transcript NM_001281740.3 (MANE Select); coding-DNA position 2888, A replaced by G.
Protein change: p.Lys963Arg; replaces lysine 963 with arginine.
Molecular consequence: missense variant.
Genome position (GRCh38, 1-based): chr18:36,718,186, A>G. VCF-style: chr18-36718186-A-G. GRCh37 (hg19) VCF-style: chr18-34298149-A-G.
Other names: p.Lys788Arg; c.2363A>G (NM_025135.4); c.2312A>G, p.Lys771Arg (NM_001281739.3); c.2363A>G, p.Lys788Arg (NM_025135.5); short protein forms K788R, K963R, K771R.
Identifiers: ClinVar variation 2459969 (VCV002459969.4), dbSNP rs199890387, ClinGen allele CA8941972.

ClinVar aggregate classification (germline): Conflicting classifications of pathogenicity. Review status: criteria provided, conflicting classifications (1 of 4 stars). 3 submissions from 3 submitters: Uncertain significance (2); Likely benign (1). Last evaluated 2023-03-06.

Conditions:
Inborn genetic diseases. Identifiers: MedGen C0950123, MeSH D030342.
Cardiomyopathy, familial hypertrophic, 28. Identifiers: MedGen C5543616, MONDO:0030317, OMIM 619402.

Allele frequency attached by ClinVar (database versions not stated): gnomAD 0.00002; ExAC 0.00003; TOPMed 0.00004; gnomAD exomes 0.00014; ESP Exome Variant Server 0.00015.
gnomAD v4.1: 208 of 1,613,322 alleles (0.013%); highest among the groups gnomAD compares: Non-Finnish European, 0.016%; no homozygotes.

Submissions (3):

Ambry Genetics
Classification: Uncertain significance for Inborn genetic diseases. Last evaluated: 2023-03-06. Review status: criteria provided, single submitter. Criteria: Ambry Variant Classification Scheme 2023. Collection method: clinical testing. Allele origin: germline.

Blueprint Genetics
Classification: Likely benign. Last evaluated: 2022-09-09. Review status: criteria provided, single submitter. Criteria: ACMG Guidelines, 2015. Collection method: clinical testing. Allele origin: germline.

Clinical Genomics Laboratory, Stanford Medicine
Classification: Uncertain significance for Cardiomyopathy, familial hypertrophic, 28. Last evaluated: 2021-07-21. Review status: criteria provided, single submitter. Criteria: ACMG Guidelines, 2015. Collection method: clinical testing. Allele origin: germline. Affected: yes. Observed: 1 heterozygote.
Comment: The p.Lys788Arg variant in the FHOD3gene has not been previously reported in association with disease.•This variant has been identified in 15/128,452 European (non-Finnish) chromosomes by the Genome Aggregation Database. Computational tools predict that this variant does not impact protein function; however, the accuracy of in silico algorithms is limited. These data were assessed using the ACMG/AMP variant interpretation guidelines. In summary, the significance of the p.Lys788Arg variant is uncertain. Additional information is needed to resolve the significance of this variant. [ACMG evidence codes used: BP4]